The following is an entry in ClinVar:

ClinVar aggregate classification (germline): Uncertain significance (1 of 4 stars; one submission).

Allele frequency attached by ClinVar (database versions not stated): gnomAD exomes below 0.00001; TOPMed below 0.00001.
gnomAD v4.1: 5 of 1,613,842 alleles (0.00031%); highest among the groups gnomAD compares: African/African-American, 0.0053%; no homozygotes.

Submission:

Women's Health and Genetics/Laboratory Corporation of America, LabCorp
Classification: Uncertain significance. Last evaluated: 2022-08-26. Review status: criteria provided, single submitter. Criteria: LabCorp Variant Classification Summary - May 2015. Collection method: clinical testing. Allele origin: germline.
Comment: Variant summary: GEMIN4 c.1852C>T (p.Pro618Ser) results in a non-conservative amino acid change in the encoded protein sequence. Three of five in-silico tools predict a benign effect of the variant on protein function. The variant was absent in 249194 control chromosomes (gnomAD). The available data on variant occurrences in the general population are insufficient to allow any conclusion about variant significance. To our knowledge, no occurrence of c.1852C>T in individuals affected with Neurodevelopmental Disorder With Microcephaly, Cataracts, And Renal Abnormalities and no experimental evidence demonstrating its impact on protein function have been reported. No clinical diagnostic laboratories have submitted clinical-significance assessments for this variant to ClinVar after 2014. Based on the evidence outlined above, the variant was classified as uncertain significance.

NM_015721.3(GEMIN4):c.1852C>T (p.Pro618Ser)

Gene: GEMIN4 (gem nuclear organelle associated protein 4; minus strand). Cytogenetic location: 17p13.3.
Variant type: single nucleotide variant.
Coding change: c.1852C>T on transcript NM_015721.3 (MANE Select); coding-DNA position 1852, C replaced by T.
Protein change: p.Pro618Ser; replaces proline 618 with serine.
Molecular consequence: missense variant.
Genome position (GRCh38, 1-based): chr17:746,191, G>A on the plus strand (C>T on the coding strand, the complement: GEMIN4 is on the minus strand). VCF-style: chr17-746191-G-A. GRCh37 (hg19) VCF-style: chr17-649431-G-A.
Other names: short protein forms P618S.
Identifiers: ClinVar variation 1705216 (VCV001705216.1), dbSNP rs1046242682, ClinGen allele CA286713679.